The following is an entry in ClinVar:

NM_000526.5(KRT14):c.856G>A (p.Glu286Lys)

Gene: KRT14 (keratin 14; minus strand). Cytogenetic location: 17q21.2.
Variant type: single nucleotide variant.
Coding change: c.856G>A on transcript NM_000526.5 (MANE Select); coding-DNA position 856, G replaced by A.
Protein change: p.Glu286Lys; replaces glutamic acid 286 with lysine.
Molecular consequence: missense variant.
Genome position (GRCh38, 1-based): chr17:41,583,831, C>T on the plus strand (G>A on the coding strand, the complement: KRT14 is on the minus strand). VCF-style: chr17-41583831-C-T. GRCh37 (hg19) VCF-style: chr17-39740083-C-T.
Other names: short protein forms E286K.
Identifiers: ClinVar variation 1309486 (VCV001309486.2), dbSNP rs202157466, ClinGen allele CA399477428.

ClinVar aggregate classification (germline): Uncertain significance (1 of 4 stars; one submission).

gnomAD v4.1: 11 of 1,614,182 alleles (0.00068%); highest among the groups gnomAD compares: Non-Finnish European, 0.00085%; no homozygotes.

Submission:

GeneDx
Classification: Uncertain significance. Last evaluated: 2019-10-18. Review status: criteria provided, single submitter. Criteria: GeneDx Variant Classification Process June 2021. Collection method: clinical testing. Allele origin: germline. Affected: yes.
Comment: Has not been previously published as pathogenic or benign to our knowledge; Not observed in large population cohorts (Lek et al., 2016); The majority of missense variants in this gene are considered pathogenic (Stenson et al., 2014); In silico analysis, which includes protein predictors and evolutionary conservation, supports a deleterious effect